The following is an entry in ClinVar:

ClinVar aggregate classification (germline): Likely benign (0 of 4 stars; one submission).

Conditions:
GLS-related disorder. Also called: GLS-related condition.

Submission:

PreventionGenetics, part of Exact Sciences
Classification: Likely benign for GLS-related condition. Last evaluated: 2024-06-08. Review status: no assertion criteria provided. Collection method: clinical testing. Allele origin: germline.
Comment: This variant is classified as likely benign based on ACMG/AMP sequence variant interpretation guidelines (Richards et al. 2015 PMID: 25741868, with internal and published modifications).

NM_014905.5(GLS):c.-168_-163dup

Gene: GLS (glutaminase; plus strand). Cytogenetic location: 2q32.2.
Variant type: Duplication.
Coding change: c.-168_-163dup on transcript NM_014905.5 (MANE Select); 168 bases upstream of the start codon through 163 bases upstream of the start codon, 6 bases duplicated (AGCACC; older notation c.-168_-163dupAGCACC).
Molecular consequence: 5 prime UTR variant.
Genome position (GRCh38, 1-based): chr2:190,880,917-190,880,922, AGCACC duplicated; duplicating any 6 consecutive bases within chr2:190,880,916-190,880,922 gives the same sequence; the c. name uses the placement nearest the transcript's 3' end. VCF-style (leftmost placement, unchanged base first): chr2-190880915-G-GCAGCAC. GRCh37 (hg19) VCF-style: chr2-191745641-G-GCAGCAC.
Other names: c.-168_-163dup (NM_001256310.2).
Identifiers: ClinVar variation 3358130 (VCV003358130.1).
Genomic context (GRCh38, chr2:190,880,915, plus strand): 5'-TCGCGGCAATCCTAGCGCGCAGCAGCAGCAGCAGCAGCAGCAGCAGCAGCAGCAGCAGCA[G>GCAGCAC]CAGCACCCGCATCCGCTGCGGGAGTCCGAGCCGGAACCACACCCAAGTAGCTGCCCTTTC-3'